The following is an entry in ClinVar:

NM_000342.4(SLC4A1):c.253GAG[1] (p.Glu86del)

Gene: SLC4A1 (solute carrier family 4 member 1 (Diego blood group); minus strand). Cytogenetic location: 17q21.31.
Variant type: Microsatellite.
Coding change: c.253GAG[1] on transcript NM_000342.4 (MANE Select); one copy of the 3-base unit GAG starting at c.253; the reference has two copies in a row; one copy, 3 bases deleted; also written c.256_258del.
Protein change: p.Glu86del; deletes glutamic acid 86.
Molecular consequence: inframe deletion.
Genome position (GRCh38, 1-based): chr17:44,260,726-44,260,728, CTC deleted on the plus strand (GAG on the coding strand, the reverse complement: SLC4A1 is on the minus strand); deleting any 3 consecutive bases within chr17:44,260,726-44,260,732 gives the same sequence; the position shown is the placement nearest the transcript's 3' end. VCF-style (leftmost placement, unchanged base first): chr17-44260725-TCTC-T. GRCh37 (hg19) VCF-style: chr17-42338093-TCTC-T.
Other names: c.256_258del (NM_000342.4); c.256_258delGAG (NM_000342.3); short protein forms E86del.
Identifiers: ClinVar variation 1430786 (VCV001430786.10), dbSNP rs774121522, ClinGen allele CA8600656.

ClinVar aggregate classification (germline): Uncertain significance. Review status: criteria provided, multiple submitters, no conflicts (2 of 4 stars). 4 submissions from 4 submitters: Uncertain significance (4). Last evaluated 2025-11-07.

Conditions:
SLC4A1-related disorder. Also called: SLC4A1-related condition; SLC4A1-related disorders.
Malaria, susceptibility to. Identifiers: Orphanet 673, MedGen C1970028, MONDO:0021024, OMIM 611162.
BLOOD GROUP--SWANN SYSTEM (SW). Also called: SWANN BLOOD GROUP. Identifiers: MedGen C1832169, OMIM 601550.
BLOOD GROUP, WALDNER (WD). Also called: WALDNER BLOOD GROUP ANTIGEN. Identifiers: MedGen C1862191, OMIM 112010.
Hereditary spherocytosis type 4. Also called: SLC4A1-Related Spherocytosis. Identifiers: Orphanet 822, MedGen C2675212, MONDO:0012981, OMIM 612653.
BLOOD GROUP--FROESE (FR). Also called: FROESE BLOOD GROUP ANTIGEN. Identifiers: MedGen C1832168, OMIM 601551.
BLOOD GROUP--WRIGHT ANTIGEN (WR). Identifiers: MedGen C1862190, OMIM 112050.
BLOOD GROUP--DIEGO SYSTEM (DI). Identifiers: MedGen C1292286, OMIM 110500.
Autosomal dominant distal renal tubular acidosis (DRTA1). Also called: RTA, CLASSIC TYPE; RTA, DISTAL TYPE, AUTOSOMAL DOMINANT; RTA, GRADIENT TYPE; Renal Tubular Acidosis, Type I; RENAL TUBULAR ACIDOSIS, DISTAL, 1. Identifiers: Orphanet 93608, MedGen CN280572, MONDO:0008368, OMIM 179800.
Renal tubular acidosis, distal, 4, with hemolytic anemia. Also called: Renal Tubular Acidosis, Distal, with Hemolytic Anemia. Identifiers: Orphanet 93610, MedGen C5436235, MONDO:0012700, OMIM 611590.
Cryohydrocytosis. Also called: STOMATOCYTOSIS, COLD-SENSITIVE; CRYOHYDROCYTOSIS DUE TO BAND 3 HEMEL; CRYOHYDROCYTOSIS DUE TO BAND 3 HURSTPIERPOINT; CRYOHYDROCYTOSIS DUE TO BAND 3 BLACKBURN; Hereditary cryohydrocytosis with normal stomatin. Identifiers: Orphanet 398088, MedGen C1861453, MONDO:0008494, OMIM 185020.
Southeast Asian ovalocytosis. Also called: Elliptocytosis 4; Stomatocytic elliptocytosis, hereditary; Ovalocytosis, Malaysian-Melanesian-Filipino type; HE, STOMATOCYTIC. Identifiers: Orphanet 98868, MedGen C1862322, MONDO:0008165, OMIM 166900.

Submissions (4):

PreventionGenetics, part of Exact Sciences
Classification: Uncertain significance for SLC4A1-related condition. Last evaluated: 2025-11-07. Review status: criteria provided, single submitter. Criteria: ACMG Guidelines, 2015. Collection method: clinical testing. Allele origin: germline.
Comment: The SLC4A1 c.256_258delGAG variant is predicted to result in an in-frame deletion (p.Glu86del). To our knowledge, this variant has not been reported in the literature. This variant is reported in 0.010% of alleles in individuals of European (Non-Finnish) descent in gnomAD. At this time, the clinical significance of this variant is uncertain due to the absence of conclusive functional and genetic evidence.

Labcorp Genetics (formerly Invitae), Labcorp
Classification: Uncertain significance. Last evaluated: 2025-02-05. Review status: criteria provided, single submitter. Criteria: Invitae Variant Classification Sherloc (09022015). Collection method: clinical testing. Allele origin: germline.
Comment: This variant, c.256_258del, results in the deletion of 1 amino acid(s) of the SLC4A1 protein (p.Glu86del), but otherwise preserves the integrity of the reading frame. This variant is present in population databases (rs774121522, gnomAD 0.01%). This variant has not been reported in the literature in individuals affected with SLC4A1-related conditions. Experimental studies and prediction algorithms are not available or were not evaluated, and the functional significance of this variant is currently unknown. In summary, the available evidence is currently insufficient to determine the role of this variant in disease. Therefore, it has been classified as a Variant of Uncertain Significance.

Fulgent Genetics
Classification: Uncertain significance for BLOOD GROUP--DIEGO SYSTEM; BLOOD GROUP, WALDNER; BLOOD GROUP--WRIGHT ANTIGEN; Southeast Asian ovalocytosis; Autosomal dominant distal renal tubular acidosis; Cryohydrocytosis; BLOOD GROUP--SWANN SYSTEM; BLOOD GROUP--FROESE; Malaria, susceptibility to; Renal tubular acidosis, distal, 4, with hemolytic anemia; Hereditary spherocytosis type 4. Last evaluated: 2024-03-27. Review status: criteria provided, single submitter. Criteria: ACMG Guidelines, 2015. Collection method: clinical testing. Allele origin: germline.

Revvity Omics, Revvity
Classification: Uncertain significance. Last evaluated: 2023-03-28. Review status: criteria provided, single submitter. Criteria: ACMG Guidelines, 2015. Collection method: clinical testing. Allele origin: germline.